The following is an entry in ClinVar:

ClinVar aggregate classification (germline): Uncertain significance. Review status: criteria provided, multiple submitters, no conflicts (2 of 4 stars). 2 submissions from 2 submitters: Uncertain significance (2). Last evaluated 2024-07-26.

Conditions:
Aortic aneurysm, familial thoracic 7 (AAT7). Also called: AORTIC DISSECTION, FAMILIAL, WITH OR WITHOUT AORTIC ANEURYSM. Identifiers: MedGen C3151077, MONDO:0013418, OMIM 613780.
Familial thoracic aortic aneurysm and aortic dissection (TAAD). Also called: Thoracic aortic aneurysms and dissections. Identifiers: Orphanet 91387, MedGen C4707243, MONDO:0019625.

Allele frequency attached by ClinVar (database versions not stated): TOPMed below 0.00001; gnomAD 0.00001; gnomAD exomes 0.00001.
gnomAD v4.1: 10 of 1,614,118 alleles (0.00062%); highest among the groups gnomAD compares: Non-Finnish European, 0.00085%; no homozygotes.

Submissions (2):

Ambry Genetics
Classification: Uncertain significance for Familial thoracic aortic aneurysm and aortic dissection. Last evaluated: 2024-07-26. Review status: criteria provided, single submitter. Criteria: Ambry Variant Classification Scheme 2023. Collection method: clinical testing. Allele origin: germline.

Labcorp Genetics (formerly Invitae), Labcorp
Classification: Uncertain significance for Aortic aneurysm, familial thoracic 7. Last evaluated: 2019-12-03. Review status: criteria provided, single submitter. Criteria: Invitae Variant Classification Sherloc (09022015). Collection method: clinical testing. Allele origin: germline.
Comment: This sequence change replaces phenylalanine with leucine at codon 625 of the MYLK protein (p.Phe625Leu). The phenylalanine residue is highly conserved and there is a small physicochemical difference between phenylalanine and leucine. This variant is not present in population databases (ExAC no frequency). This variant has not been reported in the literature in individuals with MYLK-related conditions. Algorithms developed to predict the effect of missense changes on protein structure and function are either unavailable or do not agree on the potential impact of this missense change (SIFT: "Deleterious"; PolyPhen-2: "Benign"; Align-GVGD: "Class C15"). In summary, the available evidence is currently insufficient to determine the role of this variant in disease. Therefore, it has been classified as a Variant of Uncertain Significance.

NM_053025.4(MYLK):c.1873T>C (p.Phe625Leu)

Gene: MYLK (myosin light chain kinase; minus strand). Cytogenetic location: 3q21.1.
Variant type: single nucleotide variant.
Coding change: c.1873T>C on transcript NM_053025.4 (MANE Select); coding-DNA position 1873, T replaced by C.
Protein change: p.Phe625Leu; replaces phenylalanine 625 with leucine.
Molecular consequence: missense variant.
Genome position (GRCh38, 1-based): chr3:123,709,825, A>G on the plus strand (T>C on the coding strand, the complement: MYLK is on the minus strand). VCF-style: chr3-123709825-A-G. GRCh37 (hg19) VCF-style: chr3-123428672-A-G.
Other names: c.1345T>C, p.Phe449Leu (NM_001321309.2); c.1666T>C, p.Phe556Leu (NM_053026.4, NM_053028.4); c.1873T>C, p.Phe625Leu (NM_053027.4); short protein forms F556L, F449L, F625L.
Identifiers: ClinVar variation 854871 (VCV000854871.2), dbSNP rs1439552576, ClinGen allele CA354234780.
Genomic context (GRCh38, chr3:123,709,825, plus strand): 5'-GGACAGTCATAGTGACCTGGCTTCCATCCATGACTTTGAGATCAGAGAGGCCCTGCAGGA[A>G]GATGGGTGCAGTGGGCTTGCTGGGAGCCACAGGCAGAAGGTACTCACTCTTCCTGCTACT-3'
Protein context (NP_444253.3, residues 615-635): VAPSKPTAPI[Phe625Leu]LQGLSDLKVM